The following is an entry in ClinVar:

ClinVar aggregate classification (germline): Uncertain significance (1 of 4 stars; one submission).

Conditions:
Bailey-Bloch congenital myopathy (CMYO13). Also called: Native American myopathy; Congenital myopathy 13; STAC3 disorder. Identifiers: Orphanet 168572, MedGen C1850625, MONDO:0009722, OMIM 255995.

gnomAD v4.1: 8 of 1,613,716 alleles (0.0005%); highest among the groups gnomAD compares: East Asian, 0.0022%; no homozygotes.

Submission:

Labcorp Genetics (formerly Invitae), Labcorp
Classification: Uncertain significance for Bailey-Bloch congenital myopathy. Last evaluated: 2021-04-09. Review status: criteria provided, single submitter. Criteria: Invitae Variant Classification Sherloc (09022015). Collection method: clinical testing. Allele origin: germline.
Comment: In summary, the available evidence is currently insufficient to determine the role of this variant in disease. Therefore, it has been classified as a Variant of Uncertain Significance. This sequence change replaces isoleucine with methionine at codon 333 of the STAC3 protein (p.Ile333Met). The isoleucine residue is highly conserved and there is a small physicochemical difference between isoleucine and methionine. This variant is present in population databases (rs754352201, ExAC 0.01%). This variant has not been reported in the literature in individuals with STAC3-related conditions. Algorithms developed to predict the effect of missense changes on protein structure and function are either unavailable or do not agree on the potential impact of this missense change (SIFT: "Deleterious"; PolyPhen-2: "Probably Damaging"; Align-GVGD: "Class C0").

NM_145064.3(STAC3):c.999C>G (p.Ile333Met)

Gene: STAC3 (SH3 and cysteine rich domain 3; minus strand). Cytogenetic location: 12q13.3.
Variant type: single nucleotide variant.
Coding change: c.999C>G on transcript NM_145064.3 (MANE Select); coding-DNA position 999, C replaced by G.
Protein change: p.Ile333Met; replaces isoleucine 333 with methionine.
Molecular consequence: missense variant. On other transcripts: non-coding transcript variant (1).
Genome position (GRCh38, 1-based): chr12:57,243,908, G>C on the plus strand (C>G on the coding strand, the complement: STAC3 is on the minus strand). VCF-style: chr12-57243908-G-C. GRCh37 (hg19) VCF-style: chr12-57637691-G-C.
Other names: c.882C>G, p.Ile294Met (NM_001286256.2); c.441C>G, p.Ile147Met (NM_001286257.2); short protein forms I147M, I294M, I333M.
Identifiers: ClinVar variation 1479141 (VCV001479141.8), dbSNP rs754352201, ClinGen allele CA6646922.